The following is an entry in ClinVar:

ClinVar aggregate classification (germline): Uncertain significance (1 of 4 stars; one submission).

gnomAD v4.1: 26 of 1,392,630 alleles (0.0019%); highest among the groups gnomAD compares: Non-Finnish European, 0.0024%; no homozygotes.

Submission:

Mayo Clinic Laboratories, Mayo Clinic
Classification: Uncertain significance. Last evaluated: 2025-10-18. Review status: criteria provided, single submitter. Criteria: ACMG Guidelines, 2015. Collection method: clinical testing. Allele origin: germline. Observed: 1 variant allele.
Comment: BP4, PM2_supporting

NM_007255.3(B4GALT7):c.14G>A (p.Arg5Gln)

Genes: B4GALT7 (beta-1,4-galactosyltransferase 7; plus strand), LOC129995400 (ATAC-STARR-seq lymphoblastoid silent region 16704; plus strand). Cytogenetic location: 5q35.3.
Variant type: single nucleotide variant.
Coding change: c.14G>A on transcript NM_007255.3 (MANE Select); coding-DNA position 14, G replaced by A.
Protein change: p.Arg5Gln; replaces arginine 5 with glutamine.
Molecular consequence: missense variant.
Genome position (GRCh38, 1-based): chr5:177,600,224, G>A. VCF-style: chr5-177600224-G-A. GRCh37 (hg19) VCF-style: chr5-177027225-G-A.
Other names: p.Arg5Gln; short protein forms R5Q.
Identifiers: ClinVar variation 4541093 (VCV004541093.1).